The following is an entry in ClinVar:

NC_000011.9:g.(?_57365055)_(57367870_?)del

Gene: SERPING1 (serpin family G member 1; plus strand). Cytogenetic location: 11q12.1.
Variant type: Deletion.
Identifiers: ClinVar variation 1459186 (VCV001459186.5).

ClinVar aggregate classification (germline): Pathogenic (1 of 4 stars; one submission).

Submission:

Labcorp Genetics (formerly Invitae), Labcorp
Classification: Pathogenic. Last evaluated: 2022-07-19. Review status: criteria provided, single submitter. Criteria: Invitae Variant Classification Sherloc (09022015). Collection method: clinical testing. Allele origin: germline.
Comment: This variant is a gross deletion of the genomic region encompassing exon(s) 1-3 of the SERPING1 gene, which includes the initiator codon. This deletion extends beyond the assayed region for this gene and therefore may encompass additional genes. It is expected to result in an absent or disrupted protein product. Loss-of-function variants in SERPING1 are known to be pathogenic (PMID: 11112899, 24456027). A similar copy number variant has been observed in individual(s) with hereditary angioedema (PMID: 1656734). For these reasons, this variant has been classified as Pathogenic.

Literature cited by the submitters: PubMed 11112899; PubMed 24456027; PubMed 1656734.